The following is an entry in ClinVar:

NM_001735.3(C5):c.4673C>A (p.Ala1558Glu)

Gene: C5 (complement C5; minus strand). Cytogenetic location: 9q33.2.
Variant type: single nucleotide variant.
Coding change: c.4673C>A on transcript NM_001735.3 (MANE Select); coding-DNA position 4673, C replaced by A.
Protein change: p.Ala1558Glu; replaces alanine 1558 with glutamic acid.
Molecular consequence: missense variant.
Genome position (GRCh38, 1-based): chr9:120,960,253, G>T on the plus strand (C>A on the coding strand, the complement: C5 is on the minus strand). VCF-style: chr9-120960253-G-T. GRCh37 (hg19) VCF-style: chr9-123722531-G-T.
Other names: c.4691C>A, p.Ala1564Glu (NM_001317163.2); short protein forms A1564E, A1558E.
Identifiers: ClinVar variation 2002702 (VCV002002702.4), dbSNP rs774166079, ClinGen allele CA5217109.
Genomic context (GRCh38, chr9:120,960,253, plus strand): 5'-CACATATTCATAAAATTTCATGTTTAAAGGAGCTATATTGAACTTTTGAACTCACCATAT[G>T]CAATCTCTGGTTTACATGCTGTTTGTTTTCTTGTCTCTGCAGAGATTGTCAGATCCAATT-3'
Protein context (NP_001726.2, residues 1548-1568): RKQTACKPEI[Ala1558Glu]YAYKVSITSI

ClinVar aggregate classification (germline): Uncertain significance (1 of 4 stars; one submission).

gnomAD v4.1: 11 of 1,604,564 alleles (0.00069%); highest among the groups gnomAD compares: South Asian, 0.011%; no homozygotes.

Submission:

Labcorp Genetics (formerly Invitae), Labcorp
Classification: Uncertain significance. Last evaluated: 2022-12-06. Review status: criteria provided, single submitter. Criteria: Invitae Variant Classification Sherloc (09022015). Collection method: clinical testing. Allele origin: germline.
Comment: In summary, the available evidence is currently insufficient to determine the role of this variant in disease. Therefore, it has been classified as a Variant of Uncertain Significance. Advanced modeling of protein sequence and biophysical properties (such as structural, functional, and spatial information, amino acid conservation, physicochemical variation, residue mobility, and thermodynamic stability) performed at Invitae indicates that this missense variant is not expected to disrupt C5 protein function. This variant has not been reported in the literature in individuals affected with C5-related conditions. This variant is present in population databases (rs774166079, gnomAD 0.02%). This sequence change replaces alanine, which is neutral and non-polar, with glutamic acid, which is acidic and polar, at codon 1558 of the C5 protein (p.Ala1558Glu).